The following is an entry in ClinVar:

ClinVar aggregate classification (germline): Likely benign (1 of 4 stars; one submission).

Submission:

CeGaT Center for Human Genetics Tuebingen
Classification: Likely benign. Last evaluated: 2025-02-01. Review status: criteria provided, single submitter. Criteria: CeGaT Center For Human Genetics Tuebingen Variant Classification Criteria Version 2. Collection method: clinical testing. Allele origin: germline. Affected: yes. Observed: 2 variant alleles.
Comment: MKRN3: BP4

NM_005664.4(MKRN3):c.1315A>G (p.Ser439Gly)

Gene: MKRN3 (makorin ring finger protein 3; plus strand). Cytogenetic location: 15q11.2.
Variant type: single nucleotide variant.
Coding change: c.1315A>G on transcript NM_005664.4 (MANE Select); coding-DNA position 1315, A replaced by G.
Protein change: p.Ser439Gly; replaces serine 439 with glycine.
Molecular consequence: missense variant.
Genome position (GRCh38, 1-based): chr15:23,567,097, A>G. VCF-style: chr15-23567097-A-G. GRCh37 (hg19) VCF-style: chr15-23812244-A-G.
Other names: short protein forms S439G.
Identifiers: ClinVar variation 3388111 (VCV003388111.14).